The following is an entry in ClinVar:

NM_001164277.2(SLC37A4):c.1036A>G (p.Ile346Val)

Gene: SLC37A4 (solute carrier family 37 member 4; minus strand). Cytogenetic location: 11q23.3.
Variant type: single nucleotide variant.
Coding change: c.1036A>G on transcript NM_001164277.2 (MANE Select); coding-DNA position 1036, A replaced by G.
Protein change: p.Ile346Val; replaces isoleucine 346 with valine.
Molecular consequence: missense variant.
Genome position (GRCh38, 1-based): chr11:119,025,278, T>C on the plus strand (A>G on the coding strand, the complement: SLC37A4 is on the minus strand). VCF-style: chr11-119025278-T-C. GRCh37 (hg19) VCF-style: chr11-118895988-T-C.
Other names: c.1102A>G, p.Ile368Val (NM_001164278.2); c.817A>G, p.Ile273Val (NM_001164279.2); c.1036A>G, p.Ile346Val (NM_001164280.2, NM_001467.6); short protein forms I346V, I368V, I273V.
Identifiers: ClinVar variation 2882148 (VCV002882148.3), dbSNP rs1943525255, ClinGen allele CA382896038.
Genomic context (GRCh38, chr11:119,025,278, plus strand): 5'-GGGAGGTGCCACACAAGTTGGGAGGGGCACTCTCGTTGGCTATGACTCCAAACAGGGCAA[T>C]GGGGCCATACGAGGAGAAACCAAATACAGCTCCCAATACCAGGATCCAGAGCTGCCAAGG-3'
Protein context (NP_001157749.1, residues 336-356): AVFGFSSYGP[Ile346Val]ALFGVIANES

ClinVar aggregate classification (germline): Uncertain significance (1 of 4 stars; one submission).

Conditions:
Glucose-6-phosphate transport defect (GSD1B). Also called: Glycogen Storage Disease Type Ib; GSD Ib. Identifiers: Orphanet 364, Orphanet 79259, MedGen C0268146, MONDO:0009288, OMIM 232220.

Allele frequency attached by ClinVar (database versions not stated): gnomAD exomes 0.00001.

Submission:

Labcorp Genetics (formerly Invitae), Labcorp
Classification: Uncertain significance for Glucose-6-phosphate transport defect. Last evaluated: 2025-06-11. Review status: criteria provided, single submitter. Criteria: Invitae Variant Classification Sherloc (09022015). Collection method: clinical testing. Allele origin: germline.
Comment: This sequence change replaces isoleucine, which is neutral and non-polar, with valine, which is neutral and non-polar, at codon 346 of the SLC37A4 protein (p.Ile346Val). This variant is not present in population databases (gnomAD no frequency). This variant has not been reported in the literature in individuals affected with SLC37A4-related conditions. ClinVar contains an entry for this variant (Variation ID: 2882148). Invitae Evidence Modeling of protein sequence and biophysical properties (such as structural, functional, and spatial information, amino acid conservation, physicochemical variation, residue mobility, and thermodynamic stability) indicates that this missense variant is not expected to disrupt SLC37A4 protein function with a negative predictive value of 80%. In summary, the available evidence is currently insufficient to determine the role of this variant in disease. Therefore, it has been classified as a Variant of Uncertain Significance.